The following is an entry in ClinVar:

NM_005886.3(KATNB1):c.579C>T (p.Asn193=)

Gene: KATNB1 (katanin regulatory subunit B1; plus strand). Cytogenetic location: 16q21.
Variant type: single nucleotide variant.
Coding change: c.579C>T on transcript NM_005886.3 (MANE Select); coding-DNA position 579, C replaced by T.
Protein change: p.Asn193=; no amino-acid change (asparagine 193 retained).
Molecular consequence: synonymous variant.
Genome position (GRCh38, 1-based): chr16:57,752,002, C>T. VCF-style: chr16-57752002-C-T. GRCh37 (hg19) VCF-style: chr16-57785914-C-T.
Identifiers: ClinVar variation 2646563 (VCV002646563.24), dbSNP rs201842513, ClinGen allele CA8080810.

ClinVar aggregate classification (germline): Likely benign (1 of 4 stars; one submission).

Allele frequency attached by ClinVar (database versions not stated): TOPMed 0.00001; gnomAD exomes 0.00004; gnomAD 0.00005; ExAC 0.00012; 1000 Genomes Project 0.00020; 1000 Genomes Project 30x 0.00031.
gnomAD v4.1: 62 of 1,613,566 alleles (0.0038%); highest among the groups gnomAD compares: South Asian, 0.045%; no homozygotes.

Submission:

CeGaT Center for Human Genetics Tuebingen
Classification: Likely benign. Last evaluated: 2022-09-01. Review status: criteria provided, single submitter. Criteria: CeGaT Center For Human Genetics Tuebingen Variant Classification Criteria Version 2. Collection method: clinical testing. Allele origin: germline. Affected: yes. Observed: 1 variant allele.
Comment: KATNB1: BP4, BP7